The following is an entry in ClinVar:

ClinVar aggregate classification (germline): Conflicting classifications of pathogenicity. Review status: criteria provided, conflicting classifications (1 of 4 stars). 5 submissions from 5 submitters: Uncertain significance (4); Likely benign (1). Last evaluated 2024-10-29.

Conditions:
Epidermolysis bullosa simplex, Ogna type (EBS5A). Also called: Pidermolysis bullosa simplex 5A, Ogna type; EPIDERMOLYSIS BULLOSA SIMPLEX 5A, OGNA TYPE. Identifiers: Orphanet 79401, MedGen C0432317, MONDO:0007555, OMIM 131950.
Epidermolysis bullosa simplex 5C, with pyloric atresia (EBS5C). Also called: PLEC-Related Epidermolysis Bullosa with Pyloric Atresia; Epidermolysis bullosa simplex with pyloric atresia; PLEC1-Related Epidermolysis Bullosa with Pyloric Atresia. Identifiers: Orphanet 158684, MedGen C2677349, MONDO:0012807, OMIM 612138.
Autosomal recessive limb-girdle muscular dystrophy type 2Q (LGMDR17). Also called: MUSCULAR DYSTROPHY, LIMB-GIRDLE, AUTOSOMAL RECESSIVE 17. Identifiers: Orphanet 254361, MedGen C3150989, MONDO:0013390, OMIM 613723.
Epidermolysis bullosa simplex 5B, with muscular dystrophy (EBS5B). Also called: EPIDERMOLYSIS BULLOSA SIMPLEX AND LIMB-GIRDLE MUSCULAR DYSTROPHY; Epidermolysis bullosa simplex with muscular dystrophy. Identifiers: Orphanet 257, MedGen C2931072, MONDO:0009181, OMIM 226670.
Epidermolysis bullosa simplex with nail dystrophy (EBS5D). Identifiers: MedGen C4225309, MONDO:0014661, OMIM 616487.
Inborn genetic diseases. Identifiers: MedGen C0950123, MeSH D030342.

Allele frequency attached by ClinVar (database versions not stated): gnomAD 0.00002; gnomAD exomes 0.00002 and 0.00006; ExAC 0.00005; TOPMed 0.00006.
gnomAD v4.1: 37 of 1,574,634 alleles (0.0023%); highest among the groups gnomAD compares: African/African-American, 0.0067%; no homozygotes.

Submissions (5):

Ambry Genetics
Classification: Uncertain significance for Inborn genetic diseases. Last evaluated: 2024-10-29. Review status: criteria provided, single submitter. Criteria: Ambry Variant Classification Scheme 2023. Collection method: clinical testing. Allele origin: germline.

Labcorp Genetics (formerly Invitae), Labcorp
Classification: Uncertain significance for Autosomal recessive limb-girdle muscular dystrophy type 2Q; Epidermolysis bullosa simplex, Ogna type; Epidermolysis bullosa simplex with nail dystrophy; Epidermolysis bullosa simplex 5C, with pyloric atresia; Epidermolysis bullosa simplex 5B, with muscular dystrophy. Last evaluated: 2023-08-24. Review status: criteria provided, single submitter. Criteria: Invitae Variant Classification Sherloc (09022015). Collection method: clinical testing. Allele origin: germline.
Comment: Advanced modeling of protein sequence and biophysical properties (such as structural, functional, and spatial information, amino acid conservation, physicochemical variation, residue mobility, and thermodynamic stability) performed at Invitae indicates that this missense variant is not expected to disrupt PLEC protein function. In summary, the available evidence is currently insufficient to determine the role of this variant in disease. Therefore, it has been classified as a Variant of Uncertain Significance. ClinVar contains an entry for this variant (Variation ID: 290728). This sequence change replaces arginine, which is basic and polar, with tryptophan, which is neutral and slightly polar, at codon 2608 of the PLEC protein (p.Arg2608Trp). This variant is present in population databases (rs782485083, gnomAD 0.01%). This variant has not been reported in the literature in individuals affected with PLEC-related conditions.

Revvity Omics, Revvity
Classification: Uncertain significance. Last evaluated: 2020-09-25. Review status: criteria provided, single submitter. Criteria: ACMG Guidelines, 2015. Collection method: clinical testing. Allele origin: germline.

GeneDx
Classification: Likely benign. Last evaluated: 2018-08-22. Review status: criteria provided, single submitter. Criteria: GeneDx Variant Classification Process June 2021. Collection method: clinical testing. Allele origin: germline. Affected: yes.

Eurofins Ntd Llc (ga)
Classification: Uncertain significance. Last evaluated: 2016-09-06. Review status: criteria provided, single submitter. Criteria: EGL Classification Definitions 2015. Collection method: clinical testing. Allele origin: germline. Observed: 1 variant allele, 1 heterozygote.

NM_201384.3(PLEC):c.7741C>T (p.Arg2581Trp)

Gene: PLEC (plectin; minus strand). Cytogenetic location: 8q24.3.
Variant type: single nucleotide variant.
Coding change: c.7741C>T on transcript NM_201384.3 (MANE Select); coding-DNA position 7741, C replaced by T.
Protein change: p.Arg2581Trp; replaces arginine 2581 with tryptophan.
Molecular consequence: missense variant.
Genome position (GRCh38, 1-based): chr8:143,922,080, G>A on the plus strand (C>T on the coding strand, the complement: PLEC is on the minus strand). VCF-style: chr8-143922080-G-A. GRCh37 (hg19) VCF-style: chr8-144996248-G-A.
Other names: c.7822C>T, p.Arg2608Trp (NM_000445.5); c.7699C>T, p.Arg2567Trp (NM_201378.4); c.7675C>T, p.Arg2559Trp (NM_201379.3); c.8152C>T, p.Arg2718Trp (NM_201380.4); c.7645C>T, p.Arg2549Trp (NM_201381.3); c.7741C>T, p.Arg2581Trp (NM_201382.4); c.7753C>T, p.Arg2585Trp (NM_201383.3); short protein forms R2585W, R2718W, R2549W, R2559W, R2581W, R2567W, R2608W.
Identifiers: ClinVar variation 290728 (VCV000290728.16), dbSNP rs782485083, ClinGen allele CA4925528.
Genomic context (GRCh38, chr8:143,922,080, plus strand): 5'-GGAGCTGCAGCTGCTCACGCAGCCTCTGGTTCTCCTCAGCCAGCAGCTCCTCCTGCTGCC[G>A]CCGCTGCTGCTCCAGCTGCTGCAGCTCCTCCTGCTTGCGCCGCACGCCCTCCTCGGCCTC-3'
Protein context (NP_958786.1, residues 2571-2591): EELQQLEQQR[Arg2581Trp]QQEELLAEEN